The following is an entry in ClinVar:

ClinVar aggregate classification (germline): Pathogenic. Review status: criteria provided, multiple submitters, no conflicts (2 of 4 stars). 2 submissions from 2 submitters: Pathogenic (2). Last evaluated 2023-08-17.

Conditions:
Lynch syndrome 5 (LYNCH5). Also called: Colorectal cancer, hereditary nonpolyposis, type 5; Hereditary non-polyposis colorectal cancer, type 5. Identifiers: Orphanet 144, MedGen C1833477, MONDO:0013710, OMIM 614350. Disease mechanism: loss of function.
Hereditary nonpolyposis colorectal neoplasms. Identifiers: MedGen C0009405, MeSH D003123.

Submissions (2):

Myriad Genetics, Inc.
Classification: Pathogenic for Lynch syndrome 5. Last evaluated: 2023-08-17. Review status: criteria provided, single submitter. Criteria: Myriad Autosomal Dominant, Autosomal Recessive and X-Linked Classification Criteria (2023). Collection method: clinical testing. Allele origin: unknown.
Comment: This variant is considered pathogenic. This variant creates a frameshift predicted to result in premature protein truncation.

Labcorp Genetics (formerly Invitae), Labcorp
Classification: Pathogenic for Hereditary nonpolyposis colorectal neoplasms. Last evaluated: 2019-09-19. Review status: criteria provided, single submitter. Criteria: Invitae Variant Classification Sherloc (09022015). Collection method: clinical testing. Allele origin: germline.
Comment: This sequence change creates a premature translational stop signal (p.Pro898Leufs*8) in the MSH6 gene. It is expected to result in an absent or disrupted protein product. This variant is not present in population databases (ExAC no frequency). This variant has not been reported in the literature in individuals with MSH6-related disease. Loss-of-function variants in MSH6 are known to be pathogenic (PMID: 18269114, 24362816). For these reasons, this variant has been classified as Pathogenic.

Literature cited by the submitters: PubMed 18269114 (cited by Labcorp Genetics (formerly Invitae), Labcorp); PubMed 24362816 (cited by Labcorp Genetics (formerly Invitae), Labcorp).

NM_000179.3(MSH6):c.2693del (p.Pro898fs)

Gene: MSH6 (mutS homolog 6; plus strand). Cytogenetic location: 2p16.3.
Variant type: Deletion.
Coding change: c.2693del on transcript NM_000179.3 (MANE Select); coding-DNA position 2693, one base deleted (C; older notation c.2693delC).
Protein change: p.Pro898fs; shifts the reading frame from proline 898.
Molecular consequence: frameshift variant.
Genome position (GRCh38, 1-based): chr2:47,800,676, C deleted; the last of 2 consecutive C bases (chr2:47,800,675-47,800,676); deleting either gives the same sequence. VCF-style (leftmost placement, unchanged base first): chr2-47800674-TC-T. GRCh37 (hg19) VCF-style: chr2-48027813-TC-T.
Other names: c.2693delC (NM_000179.2); c.2303del, p.Pro768fs (NM_001281492.2); c.1787del, p.Pro596fs (NM_001281493.2, NM_001281494.2); short protein forms P596fs, P768fs, P898fs.
Identifiers: ClinVar variation 455215 (VCV000455215.11), dbSNP rs1553414022, ClinGen allele CA658655660.